The following is an entry in ClinVar:

ClinVar aggregate classification (germline): Uncertain significance (1 of 4 stars; one submission).

Submission:

Labcorp Genetics (formerly Invitae), Labcorp
Classification: Uncertain significance. Last evaluated: 2025-01-15. Review status: criteria provided, single submitter. Criteria: Invitae Variant Classification Sherloc (09022015). Collection method: clinical testing. Allele origin: germline.
Comment: This sequence change replaces glycine, which is neutral and non-polar, with glutamic acid, which is acidic and polar, at codon 780 of the ATP2B2 protein (p.Gly780Glu). This variant is not present in population databases (gnomAD no frequency). This variant has not been reported in the literature in individuals affected with ATP2B2-related conditions. Invitae Evidence Modeling of protein sequence and biophysical properties (such as structural, functional, and spatial information, amino acid conservation, physicochemical variation, residue mobility, and thermodynamic stability) indicates that this missense variant is expected to disrupt ATP2B2 protein function with a positive predictive value of 80%. In summary, the available evidence is currently insufficient to determine the role of this variant in disease. Therefore, it has been classified as a Variant of Uncertain Significance.

NM_001001331.4(ATP2B2):c.2474G>A (p.Gly825Glu)

Gene: ATP2B2 (ATPase plasma membrane Ca2+ transporting 2; minus strand). Cytogenetic location: 3p25.3.
Variant type: single nucleotide variant.
Coding change: c.2474G>A on transcript NM_001001331.4 (MANE Select); coding-DNA position 2474, G replaced by A.
Protein change: p.Gly825Glu; replaces glycine 825 with glutamic acid.
Molecular consequence: missense variant.
Genome position (GRCh38, 1-based): chr3:10,346,068, C>T on the plus strand (G>A on the coding strand, the complement: ATP2B2 is on the minus strand). VCF-style: chr3-10346068-C-T. GRCh37 (hg19) VCF-style: chr3-10387752-C-T.
Other names: c.2339G>A, p.Gly780Glu (NM_001330611.3, NM_001353564.1, NM_001363862.1 and 1 more transcripts); short protein forms G780E, G825E.
Identifiers: ClinVar variation 3725273 (VCV003725273.2).